The following is an entry in ClinVar:

ClinVar aggregate classification (germline): Uncertain significance (1 of 4 stars; one submission).

Conditions:
Immunodeficiency 132A. Also called: Herpes simplex encephalitis, susceptibility to, 3. Identifiers: Orphanet 1930, MedGen C3553868, MONDO:0013920, OMIM 614849.

Allele frequency attached by ClinVar (database versions not stated): gnomAD exomes below 0.00001.
gnomAD v4.1: 1 of 1,614,194 alleles (0.000062%); highest among the groups gnomAD compares: Non-Finnish European, 0.000085%; no homozygotes.

Submission:

Labcorp Genetics (formerly Invitae), Labcorp
Classification: Uncertain significance for Immunodeficiency 132A. Last evaluated: 2023-04-29. Review status: criteria provided, single submitter. Criteria: Invitae Variant Classification Sherloc (09022015). Collection method: clinical testing. Allele origin: germline.
Comment: In summary, the available evidence is currently insufficient to determine the role of this variant in disease. Therefore, it has been classified as a Variant of Uncertain Significance. Algorithms developed to predict the effect of missense changes on protein structure and function output the following: SIFT: "Not Available"; PolyPhen-2: "Benign"; Align-GVGD: "Not Available". The alanine amino acid residue is found in multiple mammalian species, which suggests that this missense change does not adversely affect protein function. This variant has not been reported in the literature in individuals affected with TRAF3-related conditions. This variant is not present in population databases (gnomAD no frequency). This sequence change replaces threonine, which is neutral and polar, with alanine, which is neutral and non-polar, at codon 23 of the TRAF3 protein (p.Thr23Ala).

NM_145725.3(TRAF3):c.67A>G (p.Thr23Ala)

Gene: TRAF3 (TNF receptor associated factor 3; plus strand). Cytogenetic location: 14q32.32.
Variant type: single nucleotide variant.
Coding change: c.67A>G on transcript NM_145725.3 (MANE Select); coding-DNA position 67, A replaced by G.
Protein change: p.Thr23Ala; replaces threonine 23 with alanine.
Molecular consequence: missense variant.
Genome position (GRCh38, 1-based): chr14:102,870,268, A>G. VCF-style: chr14-102870268-A-G. GRCh37 (hg19) VCF-style: chr14-103336605-A-G.
Other names: c.67A>G, p.Thr23Ala (NM_001199427.2, NM_001385142.1, NM_001385143.1 and 2 more transcripts); short protein forms T23A.
Identifiers: ClinVar variation 2878599 (VCV002878599.3), dbSNP rs1019409633, ClinGen allele CA267124556.